The following is an entry in ClinVar:

ClinVar aggregate classification (germline): Uncertain significance. Review status: criteria provided, multiple submitters, no conflicts (2 of 4 stars). 2 submissions from 2 submitters: Uncertain significance (2). Last evaluated 2025-03-31.

Conditions:
Acrocallosal syndrome (ACLS). Also called: Schinzel syndrome 1; Absence of corpus callosum with unusual facial appearance, mental deficiency, duplication of the halluces and polydactyly; HALLUX DUPLICATION, POSTAXIAL POLYDACTYLY, AND ABSENCE OF CORPUS CALLOSUM. Identifiers: Orphanet 36, MedGen C0796147, MONDO:0008708, OMIM 200990.

Allele frequency attached by ClinVar (database versions not stated): gnomAD exomes 0.00002; TOPMed 0.00004; gnomAD 0.00005; 1000 Genomes Project 0.00020; 1000 Genomes Project 30x 0.00031.
gnomAD v4.1: 28 of 1,561,704 alleles (0.0018%); highest among the groups gnomAD compares: African/African-American, 0.0095%; no homozygotes.

Submissions (2):

Labcorp Genetics (formerly Invitae), Labcorp
Classification: Uncertain significance for Acrocallosal syndrome. Last evaluated: 2025-03-31. Review status: criteria provided, single submitter. Criteria: Invitae Variant Classification Sherloc (09022015). Collection method: clinical testing. Allele origin: germline.
Comment: This sequence change replaces arginine, which is basic and polar, with tryptophan, which is neutral and slightly polar, at codon 993 of the KIF7 protein (p.Arg993Trp). The frequency data for this variant in the population databases is considered unreliable, as metrics indicate poor data quality at this position in the gnomAD database. This variant has not been reported in the literature in individuals affected with KIF7-related conditions. ClinVar contains an entry for this variant (Variation ID: 2174145). Invitae Evidence Modeling of protein sequence and biophysical properties (such as structural, functional, and spatial information, amino acid conservation, physicochemical variation, residue mobility, and thermodynamic stability) indicates that this missense variant is not expected to disrupt KIF7 protein function with a negative predictive value of 80%. In summary, the available evidence is currently insufficient to determine the role of this variant in disease. Therefore, it has been classified as a Variant of Uncertain Significance.

Blueprint Genetics
Classification: Uncertain significance. Last evaluated: 2023-09-04. Review status: criteria provided, single submitter. Criteria: ACMG Guidelines, 2015. Collection method: clinical testing. Allele origin: germline.

NM_198525.3(KIF7):c.2977C>T (p.Arg993Trp)

Gene: KIF7 (kinesin family member 7; minus strand). Cytogenetic location: 15q26.1.
Variant type: single nucleotide variant.
Coding change: c.2977C>T on transcript NM_198525.3 (MANE Select); coding-DNA position 2977, C replaced by T.
Protein change: p.Arg993Trp; replaces arginine 993 with tryptophan.
Molecular consequence: missense variant.
Genome position (GRCh38, 1-based): chr15:89,631,629, G>A on the plus strand (C>T on the coding strand, the complement: KIF7 is on the minus strand). VCF-style: chr15-89631629-G-A. GRCh37 (hg19) VCF-style: chr15-90174860-G-A.
Other names: short protein forms R993W.
Identifiers: ClinVar variation 2174145 (VCV002174145.5), dbSNP rs572668573, ClinGen allele CA274566524.